The following is an entry in ClinVar:

ClinVar aggregate classification (germline): Uncertain significance (1 of 4 stars; one submission).

Allele frequency attached by ClinVar (database versions not stated): TOPMed below 0.00001.

Submission:

Labcorp Genetics (formerly Invitae), Labcorp
Classification: Uncertain significance. Last evaluated: 2022-07-06. Review status: criteria provided, single submitter. Criteria: Invitae Variant Classification Sherloc (09022015). Collection method: clinical testing. Allele origin: germline.
Comment: This sequence change creates a premature translational stop signal (p.Lys212Asnfs*3) in the GUF1 gene. It is expected to result in an absent or disrupted protein product. However, the current clinical and genetic evidence is not sufficient to establish whether loss-of-function variants in GUF1 cause disease. This variant is not present in population databases (gnomAD no frequency). This variant has not been reported in the literature in individuals affected with GUF1-related conditions. ClinVar contains an entry for this variant (Variation ID: 1507018). In summary, the available evidence is currently insufficient to determine the role of this variant in disease. Therefore, it has been classified as a Variant of Uncertain Significance.

NM_021927.3(GUF1):c.636_637del (p.Lys212fs)

Gene: GUF1 (GTP binding elongation factor GUF1; plus strand). Cytogenetic location: 4p12.
Variant type: Deletion.
Coding change: c.636_637del on transcript NM_021927.3 (MANE Select); coding-DNA positions 636 to 637, 2 bases deleted (AG; older notation c.636_637delAG).
Protein change: p.Lys212fs; shifts the reading frame from lysine 212.
Molecular consequence: frameshift variant. On other transcripts: 5 prime UTR variant (2).
Genome position (GRCh38, 1-based): chr4:44,683,285-44,683,286, AG deleted. VCF-style (leftmost placement, unchanged base first): chr4-44683284-AAG-A. GRCh37 (hg19) VCF-style: chr4-44685301-AAG-A.
Other names: c.-337_-336del (NM_001345867.2, NM_001345869.2); c.636_637del, p.Lys212fs (NM_001345868.2); short protein forms K212fs.
Identifiers: ClinVar variation 1507018 (VCV001507018.6), dbSNP rs1000771928, ClinGen allele CA96516006.
Genomic context (GRCh38, chr4:44,683,284, plus strand): 5'-TTTTTTTAAAGATAGATCTGAAGAATGCTGATCCTGAAAGGGTTGAAAACCAAATTGAGA[AAG>A]TGTTTGATATTCCAAGTGATGAATGTATTAAGGTAAAATACGTTCCTAAAAAGATTATAC-3'